The following is an entry in ClinVar:

ClinVar aggregate classification (germline): Likely benign. Review status: criteria provided, multiple submitters, no conflicts (2 of 4 stars). 3 submissions from 3 submitters: Likely benign (2). 1 of the submissions does not count toward it. Last evaluated 2025-07-15.

Conditions:
VPS13C-related disorder. Also called: VPS13C-related condition.

Allele frequency attached by ClinVar (database versions not stated): ESP Exome Variant Server 0.00008; gnomAD 0.00009; TOPMed 0.00012.
gnomAD v4.1: 65 of 1,557,116 alleles (0.0042%); highest among the groups gnomAD compares: Admixed American, 0.022%; no homozygotes.

Submissions (3):

Labcorp Genetics (formerly Invitae), Labcorp
Classification: Likely benign. Last evaluated: 2025-07-15. Review status: criteria provided, single submitter. Criteria: Invitae Variant Classification Sherloc (09022015). Collection method: clinical testing. Allele origin: germline.

Mayo Clinic Laboratories, Mayo Clinic
Classification: Likely benign. Last evaluated: 2025-03-27. Review status: criteria provided, single submitter. Criteria: ACMG Guidelines, 2015. Collection method: clinical testing. Allele origin: germline. Observed: 1 variant allele.
Comment: BP4, BP7

PreventionGenetics, part of Exact Sciences
Classification: Likely benign for VPS13C-related condition. Last evaluated: 2023-12-07. Review status: no assertion criteria provided. Collection method: clinical testing. Allele origin: germline. Not counted in ClinVar's aggregate classification.
Comment: This variant is classified as likely benign based on ACMG/AMP sequence variant interpretation guidelines (Richards et al. 2015 PMID: 25741868, with internal and published modifications).

NM_020821.3(VPS13C):c.8061A>C (p.Thr2687=)

Gene: VPS13C (vacuolar protein sorting 13 homolog C; minus strand). Cytogenetic location: 15q22.2.
Variant type: single nucleotide variant.
Coding change: c.8061A>C on transcript NM_020821.3 (MANE Select); coding-DNA position 8061, A replaced by C.
Protein change: p.Thr2687=; no amino-acid change (threonine 2687 retained).
Molecular consequence: synonymous variant.
Genome position (GRCh38, 1-based): chr15:61,916,017, T>G on the plus strand (A>C on the coding strand, the complement: VPS13C is on the minus strand). VCF-style: chr15-61916017-T-G. GRCh37 (hg19) VCF-style: chr15-62208216-T-G.
Other names: p.Thr2687=; c.8061A>C, p.Thr2687= (NM_001018088.3); c.7932A>C, p.Thr2644= (NM_017684.5, NM_018080.4).
Identifiers: ClinVar variation 3037685 (VCV003037685.4), dbSNP rs144395823, ClinGen allele CA7595085.